The following is an entry in ClinVar:

NM_000021.4(PSEN1):c.833G>T (p.Arg278Ile)

Gene: PSEN1 (presenilin 1; plus strand). Cytogenetic location: 14q24.2.
Variant type: single nucleotide variant.
Coding change: c.833G>T on transcript NM_000021.4 (MANE Select); coding-DNA position 833, G replaced by T.
Protein change: p.Arg278Ile; replaces arginine 278 with isoleucine.
Molecular consequence: missense variant.
Genome position (GRCh38, 1-based): chr14:73,198,094, G>T. VCF-style: chr14-73198094-G-T. GRCh37 (hg19) VCF-style: chr14-73664802-G-T.
Other names: c.821G>T, p.Arg274Ile (NM_007318.3); short protein forms R278I, R274I.
Identifiers: ClinVar variation 18152 (VCV000018152.6), dbSNP rs63749891, ClinGen allele CA225129.

ClinVar aggregate classification (germline): Pathogenic. Review status: criteria provided, single submitter (1 of 4 stars). 3 submissions from 3 submitters: Pathogenic (1). 2 of the submissions do not count toward it. Last evaluated 2022-06-25.

Conditions:
Frontotemporal dementia (FTD1). Also called: WILHELMSEN-LYNCH DISEASE; Frontotemporal lobe dementia (FLDEM); Dementia, frontotemporal, with or without parkinsonism; Frontotemporal Dementia with Parkinsonism-17 (FTDP-17); FRONTOTEMPORAL DEMENTIA WITH PARKINSONISM; FRONTOTEMPORAL LOBE DEMENTIA. Identifiers: Orphanet 282, MedGen C0338451, MONDO:0017276, OMIM 600274, HP:0002145.
Alzheimer disease 3 (AD3). Also called: ALZHEIMER DISEASE, FAMILIAL, 3. Identifiers: Orphanet 1020, MedGen C1843013, MONDO:0011913, OMIM 607822.
Acne inversa, familial, 3 (ACNINV3). Identifiers: MedGen C3151038, MONDO:0013398, OMIM 613737.
Pick disease. Also called: Pick Disease of the Brain; Pick's disease; LOBAR ATROPHY OF BRAIN; PICK DISEASE OF BRAIN; DEMENTIA WITH LOBAR ATROPHY AND NEURONAL CYTOPLASMIC INCLUSIONS. Identifiers: Orphanet 282, MedGen C0236642, MONDO:0008243, OMIM 172700.

Submissions (3):

Labcorp Genetics (formerly Invitae), Labcorp
Classification: Pathogenic for Alzheimer disease 3; Pick disease; Acne inversa, familial, 3; Frontotemporal dementia. Last evaluated: 2022-06-25. Review status: criteria provided, single submitter. Criteria: Invitae Variant Classification Sherloc (09022015). Collection method: clinical testing. Allele origin: germline.
Comment: This sequence change replaces arginine, which is basic and polar, with isoleucine, which is neutral and non-polar, at codon 278 of the PSEN1 protein (p.Arg278Ile). This variant is not present in population databases (gnomAD no frequency). For these reasons, this variant has been classified as Pathogenic. Experimental studies have shown that this missense change affects PSEN1 function (PMID: 21725313, 23843529, 27100199, 28753424). Advanced modeling of protein sequence and biophysical properties (such as structural, functional, and spatial information, amino acid conservation, physicochemical variation, residue mobility, and thermodynamic stability) performed at Invitae indicates that this missense variant is expected to disrupt PSEN1 protein function. ClinVar contains an entry for this variant (Variation ID: 18152). This missense change has been observed in individuals with Alzheimer disease (PMID: 15534260, 27777022; Invitae). It has also been observed to segregate with disease in related individuals.

OMIM
Classification: Pathogenic for ALZHEIMER DISEASE, FAMILIAL, 3. Last evaluated: 2004-11-09. Review status: no assertion criteria provided. Collection method: literature only. Allele origin: germline. Not counted in ClinVar's aggregate classification.

VIB  Department of Molecular Genetics, University of Antwerp
No classification provided. Review status: no classification provided. Collection method: not provided. Allele origin: not provided. Not counted in ClinVar's aggregate classification.

Literature cited by the submitters: PubMed 21725313 (cited by Labcorp Genetics (formerly Invitae), Labcorp); PubMed 23843529 (cited by Labcorp Genetics (formerly Invitae), Labcorp); PubMed 27100199 (cited by Labcorp Genetics (formerly Invitae), Labcorp); PubMed 28753424 (cited by Labcorp Genetics (formerly Invitae), Labcorp); PubMed 15534260 (cited by Labcorp Genetics (formerly Invitae), Labcorp and OMIM); PubMed 27777022 (cited by Labcorp Genetics (formerly Invitae), Labcorp); PubMed 12660785 (cited by OMIM).